The following is an entry in ClinVar:

NM_003108.4(SOX11):c.1004C>G (p.Ser335Cys)

Gene: SOX11 (SRY-box transcription factor 11; plus strand). Cytogenetic location: 2p25.2.
Variant type: single nucleotide variant.
Coding change: c.1004C>G on transcript NM_003108.4 (MANE Select); coding-DNA position 1004, C replaced by G.
Protein change: p.Ser335Cys; replaces serine 335 with cysteine.
Molecular consequence: missense variant.
Genome position (GRCh38, 1-based): chr2:5,693,725, C>G. VCF-style: chr2-5693725-C-G. GRCh37 (hg19) VCF-style: chr2-5833857-C-G.
Other names: short protein forms S335C.
Identifiers: ClinVar variation 3060189 (VCV003060189.2), dbSNP rs774743661, ClinGen allele CA1517969.

ClinVar aggregate classification (germline): Uncertain significance (0 of 4 stars; one submission).

Conditions:
SOX11-related disorder. Also called: SOX11-related condition.

Allele frequency attached by ClinVar (database versions not stated): gnomAD 0.00001; ExAC 0.00002; gnomAD exomes 0.00002.

Submission:

PreventionGenetics, part of Exact Sciences
Classification: Uncertain significance for SOX11-related condition. Last evaluated: 2023-10-26. Review status: no assertion criteria provided. Collection method: clinical testing. Allele origin: germline.
Comment: The SOX11 c.1004C>G variant is predicted to result in the amino acid substitution p.Ser335Cys. To our knowledge, this variant has not been reported in the literature. This variant is reported in 0.023% of alleles in individuals of European (Finnish) descent in gnomAD. Although we suspect that this variant may be benign, at this time, the clinical significance of this variant is uncertain due to the absence of conclusive functional and genetic evidence.